The following is an entry in ClinVar:

ClinVar aggregate classification (germline): Uncertain significance (1 of 4 stars; one submission).

Allele frequency attached by ClinVar (database versions not stated): gnomAD 0.00001 and 0.00002; gnomAD exomes 0.00001 and 0.00002; TOPMed 0.00001.

Submission:

Labcorp Genetics (formerly Invitae), Labcorp
Classification: Uncertain significance. Last evaluated: 2022-06-23. Review status: criteria provided, single submitter. Criteria: Invitae Variant Classification Sherloc (09022015). Collection method: clinical testing. Allele origin: germline.
Comment: This sequence change replaces arginine, which is basic and polar, with tryptophan, which is neutral and slightly polar, at codon 196 of the CFAP410 protein (p.Arg196Trp). The frequency data for this variant in the population databases is considered unreliable, as metrics indicate poor data quality at this position in the gnomAD database. This variant has not been reported in the literature in individuals affected with CFAP410-related conditions. Algorithms developed to predict the effect of missense changes on protein structure and function are either unavailable or do not agree on the potential impact of this missense change (SIFT: "Deleterious"; PolyPhen-2: "Possibly Damaging"; Align-GVGD: "Class C0"). In summary, the available evidence is currently insufficient to determine the role of this variant in disease. Therefore, it has been classified as a Variant of Uncertain Significance.

NM_004928.3(CFAP410):c.586C>T (p.Arg196Trp)

Gene: CFAP410 (cilia and flagella associated protein 410; minus strand). Cytogenetic location: 21q22.3.
Variant type: single nucleotide variant.
Coding change: c.586C>T on transcript NM_004928.3 (MANE Select); coding-DNA position 586, C replaced by T.
Protein change: p.Arg196Trp; replaces arginine 196 with tryptophan.
Molecular consequence: missense variant.
Genome position (GRCh38, 1-based): chr21:44,330,879, G>A on the plus strand (C>T on the coding strand, the complement: CFAP410 is on the minus strand). VCF-style: chr21-44330879-G-A. GRCh37 (hg19) VCF-style: chr21-45750762-G-A.
Other names: c.583C>T, p.Arg195Trp (NM_001271440.2, NM_001271441.2); c.460C>T, p.Arg154Trp (NM_001271442.1); short protein forms R154W, R195W, R196W.
Identifiers: ClinVar variation 1356807 (VCV001356807.3), dbSNP rs758078626, ClinGen allele CA321783697.
Genomic context (GRCh38, chr21:44,330,879, plus strand): 5'-TCACCCTGCCCCTGTGGCTGCTCGAGGCATCCCTGGCTGAGAGGGAAGGAAACTGGCCCC[G>A]GGAAGGCGGCTTCAGGCCACGTTCATCCTGGGCGCCGCTGCTGAGAGGGAGACAAAGGCG-3'
Protein context (NP_004919.1, residues 186-206): QDERGLKPPS[Arg196Trp]GQFPSLSARD